The following is an entry in ClinVar:

ClinVar aggregate classification (germline): Uncertain significance. Review status: criteria provided, multiple submitters, no conflicts (2 of 4 stars). 2 submissions from 2 submitters: Uncertain significance (2). Last evaluated 2025-05-06.

Allele frequency attached by ClinVar (database versions not stated): gnomAD 0.00001; TOPMed 0.00002; gnomAD exomes 0.00006.
gnomAD v4.1: 88 of 1,596,928 alleles (0.0055%); highest among the groups gnomAD compares: African/African-American, 0.012%; no homozygotes.

Submissions (2):

Labcorp Genetics (formerly Invitae), Labcorp
Classification: Uncertain significance. Last evaluated: 2025-05-06. Review status: criteria provided, single submitter. Criteria: Invitae Variant Classification Sherloc (09022015). Collection method: clinical testing. Allele origin: germline.
Comment: This sequence change replaces tryptophan, which is neutral and slightly polar, with serine, which is neutral and polar, at codon 194 of the KL protein (p.Trp194Ser). This variant is present in population databases (no rsID available, gnomAD 0.004%). This variant has not been reported in the literature in individuals affected with KL-related conditions. ClinVar contains an entry for this variant (Variation ID: 2335036). Invitae Evidence Modeling of protein sequence and biophysical properties (such as structural, functional, and spatial information, amino acid conservation, physicochemical variation, residue mobility, and thermodynamic stability) indicates that this missense variant is expected to disrupt KL protein function with a positive predictive value of 80%. In summary, the available evidence is currently insufficient to determine the role of this variant in disease. Therefore, it has been classified as a Variant of Uncertain Significance.

Ambry Genetics
Classification: Uncertain significance. Last evaluated: 2022-12-14. Review status: criteria provided, single submitter. Criteria: Ambry Variant Classification Scheme 2023. Collection method: clinical testing. Allele origin: germline.

NM_004795.4(KL):c.581G>C (p.Trp194Ser)

Gene: KL (klotho; plus strand). Cytogenetic location: 13q13.1.
Variant type: single nucleotide variant.
Coding change: c.581G>C on transcript NM_004795.4 (MANE Select); coding-DNA position 581, G replaced by C.
Protein change: p.Trp194Ser; replaces tryptophan 194 with serine.
Molecular consequence: missense variant.
Genome position (GRCh38, 1-based): chr13:33,017,021, G>C. VCF-style: chr13-33017021-G-C. GRCh37 (hg19) VCF-style: chr13-33591159-G-C.
Other names: short protein forms W194S.
Identifiers: ClinVar variation 2335036 (VCV002335036.3), dbSNP rs990854079, ClinGen allele CA247507497.
Genomic context (GRCh38, chr13:33,017,021, plus strand): 5'-GGCGCCTGCTGGAGCGGCTGCGGGAGCTGGGCGTGCAGCCCGTGGTCACCCTGTACCACT[G>C]GGACCTGCCCCAGCGCCTGCAGGACGCCTACGGCGGCTGGGCCAACCGCGCCCTGGCCGA-3'
Protein context (NP_004786.2, residues 184-204): GVQPVVTLYH[Trp194Ser]DLPQRLQDAY